The following is an entry in ClinVar:

ClinVar aggregate classification (germline): Uncertain significance (1 of 4 stars; one submission).

Allele frequency attached by ClinVar (database versions not stated): gnomAD 0.00003; TOPMed 0.00005.
gnomAD v4.1: 4 of 1,614,114 alleles (0.00025%); highest among the groups gnomAD compares: African/African-American, 0.0053%; no homozygotes.

Submission:

Labcorp Genetics (formerly Invitae), Labcorp
Classification: Uncertain significance. Last evaluated: 2022-05-21. Review status: criteria provided, single submitter. Criteria: Invitae Variant Classification Sherloc (09022015). Collection method: clinical testing. Allele origin: germline.
Comment: In summary, the available evidence is currently insufficient to determine the role of this variant in disease. Therefore, it has been classified as a Variant of Uncertain Significance. Algorithms developed to predict the effect of missense changes on protein structure and function are either unavailable or do not agree on the potential impact of this missense change (SIFT: "Deleterious"; PolyPhen-2: "Probably Damaging"; Align-GVGD: "Class C0"). This variant has not been reported in the literature in individuals affected with FLAD1-related conditions. This variant is not present in population databases (gnomAD no frequency). This sequence change replaces glycine, which is neutral and non-polar, with serine, which is neutral and polar, at codon 178 of the FLAD1 protein (p.Gly178Ser).

NM_025207.5(FLAD1):c.532G>A (p.Gly178Ser)

Gene: FLAD1 (flavin adenine dinucleotide synthetase 1; plus strand). Cytogenetic location: 1q21.3.
Variant type: single nucleotide variant.
Coding change: c.532G>A on transcript NM_025207.5 (MANE Select); coding-DNA position 532, G replaced by A.
Protein change: p.Gly178Ser; replaces glycine 178 with serine.
Molecular consequence: missense variant.
Genome position (GRCh38, 1-based): chr1:154,988,264, G>A. VCF-style: chr1-154988264-G-A. GRCh37 (hg19) VCF-style: chr1-154960740-G-A.
Other names: c.241G>A, p.Gly81Ser (NM_001184891.2, NM_201398.3); c.235G>A, p.Gly79Ser (NM_001184892.2); short protein forms G79S, G178S, G81S.
Identifiers: ClinVar variation 1956525 (VCV001956525.4), dbSNP rs920886455, ClinGen allele CA30905385.